The following is an entry in ClinVar:

ClinVar aggregate classification (germline): Uncertain significance. Review status: criteria provided, multiple submitters, no conflicts (2 of 4 stars). 2 submissions from 2 submitters: Uncertain significance (2). Last evaluated 2025-12-17.

Conditions:
Intellectual developmental disorder, X-linked, syndromic 14. Also called: Syndromic X-linked intellectual disability 14. Identifiers: Orphanet 776, MedGen C1970822, MONDO:0010398, OMIM 300676.

Submissions (3):

Labcorp Genetics (formerly Invitae), Labcorp
Classification: Uncertain significance for Intellectual developmental disorder, X-linked, syndromic 14. Last evaluated: 2025-12-17. Review status: criteria provided, single submitter. Criteria: Invitae Variant Classification Sherloc (09022015). Collection method: clinical testing. Allele origin: germline.
Comment: This sequence change replaces glycine, which is neutral and non-polar, with valine, which is neutral and non-polar, at codon 404 of the UPF3B protein (p.Gly404Val). This variant is present in population databases (no rsID available, gnomAD 0.008%). This variant has not been reported in the literature in individuals affected with UPF3B-related conditions. ClinVar contains an entry for this variant (Variation ID: 2572924). Invitae Evidence Modeling of protein sequence and biophysical properties (such as structural, functional, and spatial information, amino acid conservation, physicochemical variation, residue mobility, and thermodynamic stability) indicates that this missense variant is not expected to disrupt UPF3B protein function with a negative predictive value of 80%. In summary, the available evidence is currently insufficient to determine the role of this variant in disease. Therefore, it has been classified as a Variant of Uncertain Significance.

GeneDx
Classification: Uncertain significance. Last evaluated: 2025-11-21. Review status: criteria provided, single submitter. Criteria: GeneDx Variant Classification Process June 2021. Collection method: clinical testing. Allele origin: germline. Affected: yes.
Comment: In silico analysis supports that this missense variant has a deleterious effect on protein structure/function; Has not been previously published as pathogenic or benign to our knowledge

Dr. Peter K. Rogan Lab, Western University
No classification provided (evidence only). Condition: Thyroid cancer, nonmedullary, 1. Review status: no classification provided. Collection method: in vitro. Allele origin: not applicable. Functional consequence: retained intron. Not counted in ClinVar's aggregate classification.

NM_080632.3(UPF3B):c.1211G>T (p.Gly404Val)

Gene: UPF3B (UPF3B regulator of nonsense mediated mRNA decay; minus strand). Cytogenetic location: Xq24.
Variant type: single nucleotide variant.
Coding change: c.1211G>T on transcript NM_080632.3 (MANE Select); coding-DNA position 1211, G replaced by T.
Protein change: p.Gly404Val; replaces glycine 404 with valine.
Molecular consequence: missense variant.
Genome position (GRCh38, 1-based): chrX:119,837,848, C>A on the plus strand (G>T on the coding strand, the complement: UPF3B is on the minus strand). VCF-style: chrX-119837848-C-A. GRCh37 (hg19) VCF-style: chrX-118971811-C-A.
Other names: NC_000023.10:g.118971811C>A; c.1172G>T, p.Gly391Val (NM_023010.4); short protein forms G391V, G404V.
Identifiers: ClinVar variation 2572924 (VCV002572924.6), dbSNP rs1186494670, ClinGen allele CA414182944.